The following is an entry in ClinVar:

NC_012920.1(MT-TG):m.9997T>C

Gene: MT-TG (mitochondrially encoded tRNA glycine; plus strand).
Variant type: single nucleotide variant.
Genome position: chrM-9997-T-C.
Other names: 9997T-C.
Identifiers: ClinVar variation 9611 (VCV000009611.3), dbSNP rs121434475, ClinGen allele CA254843.
Genomic context (GRCh38, chrMT:9,997, plus strand): 5'-TTGTAGATGTGGTTTGACTATTTCTGTATGTCTCCATCTATTGATGAGGGTCTTACTCTT[T>C]TAGTATAAATAGTACCGTTAACTTCCAATTAACTAGTTTTGACAACATTCAAAAAAGAGT-3'

ClinVar aggregate classification (germline): Uncertain significance. Review status: reviewed by expert panel (3 of 4 stars). 3 submissions from 3 submitters: Uncertain significance (1). 2 of the submissions do not count toward it. Last evaluated 2024-07-22.

Conditions:
Mitochondrial disease. Also called: Mitochondrial disorder; Mitochondrial disorders. Identifiers: Orphanet 68380, MedGen C0751651, MeSH D028361, MONDO:0044970.
Primary familial hypertrophic cardiomyopathy (HCM). Identifiers: Orphanet 99739, MedGen C0949658, MeSH D024741, MONDO:0024573. Inheritance: Various modes of inheritance.

Submissions (3):

ClinGen Mitochondrial Disease Nuclear and Mitochondrial  Variant Curation Expert Panel, ClinGen
Classification: Uncertain significance for Mitochondrial disease. Last evaluated: 2024-07-22. Review status: reviewed by expert panel. Criteria: clingen mito disease acmg specifications v1-1. Collection method: curation. Allele origin: germline. Inheritance: Mitochondrial inheritance.
Comment: The m.9997T>C variant in MT-TG has been reported in one large family to date (PMID: 8079988). The most common clinical feature in affected family members was cardiomyopathy, however additional clinical features seen include renal failure, muscle cramps, muscle weakness, exercise intolerance, and gastrointestinal dysmotility. Heteroplasmy levels were variable in affected family members and appeared to segregate with cardiomyopathy but not the other clinical features (PMID: 8079988). This variant is present in population databases (absent in gnomAD v3.1.2; one heteroplasmic in the Helix dataset; one homoplasmic occurrence in the Mitomap GenBank sequences; PM2_supporting). Cybrid studies support the deleterious effect of this variant (PMID: 10090480; PS3_supporting). The computational predictor MitoTIP suggests this variant is deleterious (80.3 percentile) and HmtVAR predicts it to be deleterious with a score of 0.35 (PP3). In summary, this variant meets criteria to be classified as uncertain significance for primary mitochondrial disease inherited in a mitochondrial manner. This classification was approved by the NICHD/NINDS U24 ClinGen Mitochondrial Disease Variant Curation Expert Panel on July 22, 2024. Mitochondrial DNA-specific ACMG/AMP criteria applied (PMID: 32906214): PM2_supporting, PS3_supporting, PP3.

Mendelics
Classification: Uncertain significance. Last evaluated: 2022-05-04. Review status: criteria provided, single submitter. Criteria: Mendelics Assertion Criteria 2019. Collection method: clinical testing. Allele origin: germline. Not counted in ClinVar's aggregate classification.

OMIM
Classification: Pathogenic for CARDIOMYOPATHY, HYPERTROPHIC. Last evaluated: 1994-09-01. Review status: no assertion criteria provided. Collection method: literature only. Allele origin: germline. Not counted in ClinVar's aggregate classification.

Literature cited by the submitters: PubMed 8079988 (cited by OMIM); PubMed 7459150 (cited by OMIM).